The following is an entry in ClinVar:

NM_005582.3(CD180):c.681G>A (p.Leu227=)

Gene: CD180 (CD180 molecule; minus strand). Cytogenetic location: 5q12.3.
Variant type: single nucleotide variant.
Coding change: c.681G>A on transcript NM_005582.3 (MANE Select); coding-DNA position 681, G replaced by A.
Protein change: p.Leu227=; no amino-acid change (leucine 227 retained).
Molecular consequence: synonymous variant.
Genome position (GRCh38, 1-based): chr5:67,184,162, C>T on the plus strand (G>A on the coding strand, the complement: CD180 is on the minus strand). VCF-style: chr5-67184162-C-T. GRCh37 (hg19) VCF-style: chr5-66479990-C-T.
Identifiers: ClinVar variation 2655504 (VCV002655504.24), dbSNP rs1192077978, ClinGen allele CA444672412.
Genomic context (GRCh38, chr5:67,184,162, plus strand): 5'-AGTAGTAGAGTTCTGCAGACCATTGAATATAACAGACAAATTTGGAGTTCCTCCAAAGTT[C>T]AAACTTTGGAAGATCGTTGAATCAAAAGCCCCAAGCTCAATACCTTTAACATTATTGCCA-3'
Protein context (NP_005573.2, residues 217-237): GAFDSTIFQS[Leu227=]NFGGTPNLSV

ClinVar aggregate classification (germline): Likely benign (1 of 4 stars; one submission).

Submission:

CeGaT Center for Human Genetics Tuebingen
Classification: Likely benign. Last evaluated: 2023-10-01. Review status: criteria provided, single submitter. Criteria: CeGaT Center For Human Genetics Tuebingen Variant Classification Criteria Version 2. Collection method: clinical testing. Allele origin: germline. Affected: yes. Observed: 1 variant allele.
Comment: CD180: BP4, BP7